The following is an entry in ClinVar:

ClinVar aggregate classification (germline): Likely benign. Review status: criteria provided, multiple submitters, no conflicts (2 of 4 stars). 2 submissions from 2 submitters: Likely benign (2). Last evaluated 2026-01-12.

Conditions:
DLL4-related disorder. Also called: DLL4-related condition.

gnomAD v4.1: 135 of 1,612,722 alleles (0.0084%); highest among the groups gnomAD compares: Non-Finnish European, 0.011%; no homozygotes.

Submissions (2):

PreventionGenetics, part of Exact Sciences
Classification: Likely benign for DLL4-related condition. Last evaluated: 2026-01-12. Review status: criteria provided, single submitter. Criteria: ACMG Guidelines, 2015. Collection method: clinical testing. Allele origin: germline.
Comment: This variant is classified as likely benign based on ACMG/AMP sequence variant interpretation guidelines (Richards et al. 2015 PMID: 25741868, with internal and published modifications).

Labcorp Genetics (formerly Invitae), Labcorp
Classification: Likely benign. Last evaluated: 2025-04-08. Review status: criteria provided, single submitter. Criteria: Invitae Variant Classification Sherloc (09022015). Collection method: clinical testing. Allele origin: germline.

NM_019074.4(DLL4):c.2028G>A (p.Arg676=)

Gene: DLL4 (delta like canonical Notch ligand 4; plus strand). Cytogenetic location: 15q15.1.
Variant type: single nucleotide variant.
Coding change: c.2028G>A on transcript NM_019074.4 (MANE Select); coding-DNA position 2028, G replaced by A.
Protein change: p.Arg676=; no amino-acid change (arginine 676 retained).
Molecular consequence: synonymous variant.
Genome position (GRCh38, 1-based): chr15:40,937,502, G>A. VCF-style: chr15-40937502-G-A. GRCh37 (hg19) VCF-style: chr15-41229700-G-A.
Other names: c.2028G>A (NM_019074.3).
Identifiers: ClinVar variation 4752141 (VCV004752141.2).